The following is an entry in ClinVar:

ClinVar aggregate classification (germline): Pathogenic. Review status: criteria provided, multiple submitters, no conflicts (2 of 4 stars). 2 submissions from 2 submitters: Pathogenic (2). Last evaluated 2023-09-18.

Conditions:
Hereditary cancer-predisposing syndrome. Also called: Hereditary Cancer Syndrome; Hereditary neoplastic syndrome; Neoplastic Syndromes, Hereditary; Tumor predisposition. Identifiers: Orphanet 140162, MedGen C0027672, MeSH D009386, MONDO:0015356.
Lynch syndrome 4 (LYNCH4). Also called: Hereditary non-polyposis colorectal cancer, type 4; Colorectal cancer, hereditary nonpolyposis, type 4. Identifiers: Orphanet 144, MedGen C1838333, MONDO:0013699, OMIM 614337. Disease mechanism: loss of function.

Submissions (2):

Myriad Genetics, Inc.
Classification: Pathogenic for Lynch syndrome 4. Last evaluated: 2023-09-18. Review status: criteria provided, single submitter. Criteria: Myriad Autosomal Dominant, Autosomal Recessive and X-Linked Classification Criteria (2023). Collection method: clinical testing. Allele origin: unknown.
Comment: This variant is considered pathogenic. This variant creates a frameshift predicted to result in premature protein truncation.

Ambry Genetics
Classification: Pathogenic for Hereditary cancer-predisposing syndrome. Last evaluated: 2019-09-05. Review status: criteria provided, single submitter. Criteria: Ambry Variant Classification Scheme 2023. Collection method: clinical testing. Allele origin: germline.
Comment: The c.444delC pathogenic mutation, located in coding exon 5 of the PMS2 gene, results from a deletion of one nucleotide at nucleotide position 444, causing a translational frameshift with a predicted alternate stop codon (p.Y149Tfs*52). This alteration is expected to result in loss of function by premature protein truncation or nonsense-mediated mRNA decay. As such, this alteration is interpreted as a disease-causing mutation.

NM_000535.7(PMS2):c.444del (p.Tyr149fs)

Gene: PMS2 (PMS1 homolog 2, mismatch repair system component; minus strand). Cytogenetic location: 7p22.1.
Variant type: Deletion.
Coding change: c.444del on transcript NM_000535.7 (MANE Select); coding-DNA position 444, one base deleted (C; older notation c.444delC).
Protein change: p.Tyr149fs; shifts the reading frame from tyrosine 149.
Molecular consequence: frameshift variant. On other transcripts: 5 prime UTR variant (2), non-coding transcript variant (1).
Genome position (GRCh38, 1-based): chr7:6,002,546, G deleted on the plus strand (C on the coding strand, the reverse complement: PMS2 is on the minus strand); the first of 5 consecutive G bases (chr7:6,002,546-6,002,550); deleting any one gives the same sequence. VCF-style (leftmost placement, unchanged base first): chr7-6002545-AG-A. GRCh37 (hg19) VCF-style: chr7-6042176-AG-A.
Other names: c.35delC, p.Tyr14Thrfs (NM_001018040.1, NM_001406887.1, NM_001406888.1 and 19 more transcripts); c.39del, p.Tyr14fs (NM_001322003.2, NM_001322004.2, NM_001322005.2 and 3 more transcripts); c.444del, p.Tyr149fs (NM_001322006.2, NM_001322014.2); c.126del, p.Tyr43fs (NM_001322007.2, NM_001322008.2); c.-441del (NM_001322011.2, NM_001322012.2); c.135del, p.Tyr46fs (NM_001322015.2); c.626delC, p.Tyr211Thrfs (NM_001406866.1); c.464delC, p.Tyr157Thrfs (NM_001406868.1); and 4 more; short protein forms Y14fs, Y46fs, Y43fs, Y149fs.
Identifiers: ClinVar variation 1740678 (VCV001740678.3), dbSNP rs2536444783, ClinGen allele CA2580077001.